The following is an entry in ClinVar:

ClinVar aggregate classification (germline): Uncertain significance (1 of 4 stars; one submission).

gnomAD v4.1: 1 of 1,613,860 alleles (0.000062%); highest among the groups gnomAD compares: Non-Finnish European, 0.000085%; no homozygotes.

Submission:

GeneDx
Classification: Uncertain significance. Last evaluated: 2026-02-16. Review status: criteria provided, single submitter. Criteria: GeneDx Variant Classification Process June 2021. Collection method: clinical testing. Allele origin: germline.
Comment: Not observed at significant frequency in large population cohorts (gnomAD); In silico analysis supports that this missense variant does not alter protein structure/function; Has not been previously published as pathogenic or benign to our knowledge

NM_003482.4(KMT2D):c.13544G>T (p.Arg4515Met)

Gene: KMT2D (lysine methyltransferase 2D; minus strand). Cytogenetic location: 12q13.12.
Variant type: single nucleotide variant.
Coding change: c.13544G>T on transcript NM_003482.4 (MANE Select); coding-DNA position 13544, G replaced by T.
Protein change: p.Arg4515Met; replaces arginine 4515 with methionine.
Molecular consequence: missense variant.
Genome position (GRCh38, 1-based): chr12:49,031,020, C>A on the plus strand (G>T on the coding strand, the complement: KMT2D is on the minus strand). VCF-style: chr12-49031020-C-A. GRCh37 (hg19) VCF-style: chr12-49424803-C-A.
Other names: short protein forms R4515M.
Identifiers: ClinVar variation 4888205 (VCV004888205.1).
Genomic context (GRCh38, chr12:49,031,020, plus strand): 5'-GAGCTCACCAACCTGTCGCTTGCCTTCTGTACCCGCTTGGGCTTCGGTGTCAAAGGCTTC[C>A]TTGCTGCTGCATCCTAAGCCAAATAAGCCCATTGAAGGCTGCTACCCTCCTCCTCAGAGC-3'
Protein context (NP_003473.3, residues 4505-4525): TPSNKEDAAA[Arg4515Met]KPLTPKPKRV